The following is an entry in ClinVar:

ClinVar aggregate classification (germline): Pathogenic/Likely pathogenic. Review status: criteria provided, multiple submitters, no conflicts (2 of 4 stars). 3 submissions from 3 submitters: Pathogenic (1); Likely pathogenic (2). Last evaluated 2026-09-14.

Conditions:
Ehlers-Danlos syndrome, type 4 (EDSVASC). Also called: Ehlers-Danlos syndrome vascular type; Ehlers Danlos syndrome, ecchymotic type; Ehlers Danlos syndrome, arterial type; Ehlers Danlos syndrome, Sack-Barabas type; Ehlers-Danlos Syndrome Type IV. Identifiers: Orphanet 286, MedGen C0268338, MONDO:0017314, OMIM 130050.
Familial thoracic aortic aneurysm and aortic dissection (TAAD). Also called: Thoracic aortic aneurysms and dissections. Identifiers: Orphanet 91387, MedGen C4707243, MONDO:0019625.

Allele frequency attached by ClinVar (database versions not stated): gnomAD exomes below 0.00001.
gnomAD v4.1: 1 of 1,614,062 alleles (0.000062%); highest among the groups gnomAD compares: Non-Finnish European, 0.000085%; no homozygotes.

Submissions (3):

GeneDx
Classification: Pathogenic. Last evaluated: 2026-09-14. Review status: criteria provided, single submitter. Criteria: GeneDx Variant Classification Process June 2021. Collection method: clinical testing. Allele origin: germline.
Comment: Damages or destroys the splice acceptor site in intron 18, and is expected to cause abnormal gene splicing; if the splice outcome is exon skip, the loss of the encoded residues in the triple helical region is expected to disrupt normal protein folding and function, and this is an established mechanism of disease (HGMD); Not observed at significant frequency in large population cohorts (gnomAD); Has not been previously published as pathogenic or benign to our knowledge

Labcorp Genetics (formerly Invitae), Labcorp
Classification: Likely pathogenic for Ehlers-Danlos syndrome, type 4. Last evaluated: 2025-04-01. Review status: criteria provided, single submitter. Criteria: Invitae Variant Classification Sherloc (09022015). Collection method: clinical testing. Allele origin: germline.
Comment: This sequence change affects an acceptor splice site in intron 18 of the COL3A1 gene. It is expected to disrupt RNA splicing. Variants that disrupt the donor or acceptor splice site typically lead to a loss of protein function (PMID: 16199547), and loss-of-function variants in COL3A1 are known to be pathogenic (PMID: 24922459). This variant is not present in population databases (gnomAD no frequency). This variant has not been reported in the literature in individuals affected with COL3A1-related conditions. ClinVar contains an entry for this variant (Variation ID: 1341606). Algorithms developed to predict the effect of sequence changes on RNA splicing suggest that this variant may disrupt the consensus splice site. In summary, the currently available evidence indicates that the variant is pathogenic, but additional data are needed to prove that conclusively. Therefore, this variant has been classified as Likely Pathogenic.

Ambry Genetics
Classification: Likely pathogenic for Familial thoracic aortic aneurysm and aortic dissection. Last evaluated: 2024-12-24. Review status: criteria provided, single submitter. Criteria: Ambry Variant Classification Scheme 2023. Collection method: clinical testing. Allele origin: germline.
Comment: The c.1294-1G>A intronic variant results from a G to A substitution one nucleotide upstream from coding exon 19 of the COL3A1 gene. This variant is considered to be rare based on population cohorts in the Genome Aggregation Database (gnomAD). This nucleotide position is highly conserved in available vertebrate species. In silico splice site analysis predicts that this alteration will weaken the native splice acceptor site and will result in the creation or strengthening of a novel splice acceptor site. Alterations that disrupt the canonical splice site are expected to cause aberrant splicing, resulting in an abnormal protein or a transcript that is subject to nonsense-mediated mRNA decay. As such, this alteration is classified as likely pathogenic.

Literature cited by the submitters: PubMed 16199547 (cited by Labcorp Genetics (formerly Invitae), Labcorp); PubMed 24922459 (cited by Labcorp Genetics (formerly Invitae), Labcorp).

NM_000090.4(COL3A1):c.1294-1G>A

Gene: COL3A1 (collagen type III alpha 1 chain; plus strand). Cytogenetic location: 2q32.2.
Variant type: single nucleotide variant.
Coding change: c.1294-1G>A on transcript NM_000090.4 (MANE Select); the canonical splice acceptor site of the intron before coding-DNA position 1294, G replaced by A.
Molecular consequence: splice acceptor variant.
Genome position (GRCh38, 1-based): chr2:188,994,540, G>A. VCF-style: chr2-188994540-G-A. GRCh37 (hg19) VCF-style: chr2-189859266-G-A.
Other names: c.1294-1G>A (NM_000090.3).
Identifiers: ClinVar variation 1341606 (VCV001341606.6), dbSNP rs1060500204, ClinGen allele CA349851610.